The following is an entry in ClinVar:

NM_001368809.2(AMPD2):c.222+12C>T

Gene: AMPD2 (adenosine monophosphate deaminase 2; plus strand). Cytogenetic location: 1p13.3.
Variant type: single nucleotide variant.
Coding change: c.222+12C>T on transcript NM_001368809.2 (MANE Select); 12 bases into the intron after coding-DNA position 222, C replaced by T.
Molecular consequence: intron variant.
Genome position (GRCh38, 1-based): chr1:109,625,445, C>T. VCF-style: chr1-109625445-C-T. GRCh37 (hg19) VCF-style: chr1-110168067-C-T.
Other names: c.141+12C>T (NM_139156.4); c.160-217C>T (NM_001308170.1); c.222+12C>T (NM_004037.9); c.30+12C>T (NM_001257361.2).
Identifiers: ClinVar variation 3758996 (VCV003758996.2).

ClinVar aggregate classification (germline): Uncertain significance (1 of 4 stars; one submission).

Conditions:
Hereditary spastic paraplegia 63. Also called: Spastic paraplegia 63, autosomal recessive. Identifiers: Orphanet 401805, MedGen C3810295, MONDO:0014305, OMIM 615686.
Pontocerebellar hypoplasia type 9. Identifiers: Orphanet 369920, MedGen C4014354, MONDO:0014351, OMIM 615809.

gnomAD v4.1: 8 of 1,613,728 alleles (0.0005%); highest among the groups gnomAD compares: Non-Finnish European, 0.00051%; no homozygotes.

Submission:

Labcorp Genetics (formerly Invitae), Labcorp
Classification: Uncertain significance for Pontocerebellar hypoplasia type 9; Hereditary spastic paraplegia 63. Last evaluated: 2025-06-04. Review status: criteria provided, single submitter. Criteria: Invitae Variant Classification Sherloc (09022015). Collection method: clinical testing. Allele origin: germline.
Comment: This sequence change falls in intron 3 of the AMPD2 gene. It does not directly change the encoded amino acid sequence of the AMPD2 protein. This variant is present in population databases (no rsID available, gnomAD 0.0009%). This variant has not been reported in the literature in individuals affected with AMPD2-related conditions. ClinVar contains an entry for this variant (Variation ID: 3758996). Algorithms developed to predict the effect of sequence changes on RNA splicing suggest that this variant may create or strengthen a splice site. In summary, the available evidence is currently insufficient to determine the role of this variant in disease. Therefore, it has been classified as a Variant of Uncertain Significance.